The following is an entry in ClinVar:

ClinVar aggregate classification (germline): Uncertain significance (1 of 4 stars; one submission).

Submission:

GeneDx
Classification: Uncertain significance. Last evaluated: 2023-01-18. Review status: criteria provided, single submitter. Criteria: GeneDx Variant Classification Process June 2021. Collection method: clinical testing. Allele origin: germline. Affected: yes.
Comment: Occurs in the triple helical domain within an interruption of the canonical Gly-X-Y repeat; In silico analysis supports that this missense variant has a deleterious effect on protein structure/function; Not observed at significant frequency in large population cohorts (gnomAD); Has not been previously published as pathogenic or benign to our knowledge

NM_001845.6(COL4A1):c.2213T>C (p.Leu738Pro)

Gene: COL4A1 (collagen type IV alpha 1 chain; minus strand). Cytogenetic location: 13q34.
Variant type: single nucleotide variant.
Coding change: c.2213T>C on transcript NM_001845.6 (MANE Select); coding-DNA position 2213, T replaced by C.
Protein change: p.Leu738Pro; replaces leucine 738 with proline.
Molecular consequence: missense variant.
Genome position (GRCh38, 1-based): chr13:110,179,402, A>G on the plus strand (T>C on the coding strand, the complement: COL4A1 is on the minus strand). VCF-style: chr13-110179402-A-G. GRCh37 (hg19) VCF-style: chr13-110831749-A-G.
Other names: short protein forms L738P.
Identifiers: ClinVar variation 2573765 (VCV002573765.1), dbSNP rs2501783792, ClinGen allele CA388668782.